The following is an entry in ClinVar:

ClinVar aggregate classification (germline): Likely pathogenic. Review status: criteria provided, single submitter (1 of 4 stars). 2 submissions from 2 submitters: Likely pathogenic (1). 1 of the submissions does not count toward it. Last evaluated 2017-09-14.

Conditions:
Sudden cardiac failure, infantile (SCFI). Identifiers: MedGen C4310664, MONDO:0014973, OMIM 617222.

Allele frequency attached by ClinVar (database versions not stated): ExAC 0.00001.
gnomAD v4.1: 22 of 1,606,996 alleles (0.0014%); highest among the groups gnomAD compares: Non-Finnish European, 0.0017%; no homozygotes.

Submissions (2):

Royal Brompton Clinical Genetics And Genomics Laboratory, NHS South East Genomic Laboratory Hub
Classification: Likely pathogenic for Sudden infantile cardiac failure. Last evaluated: 2017-09-14. Review status: criteria provided, single submitter. Criteria: RBHT-CGGL ClinVar Assertion Criteria. Collection method: clinical testing. Allele origin: germline. Affected: yes. Observed: 1 variant allele.
Comment: The c.182C>T variant is present in 2/242228 individuals in the gnomAD control population in heterozygous form, and has previously been reported in compound heterozygosity with another likely pathogenic PPA2 variant in four siblings with sudden infantile cardiac failure, showing autosomal recessive inheritance (Guimier et al (2016) Am J Hum Genet 99(3):666-673). In silico analysis predicts a pathogenic effect on protein function and the affected amino acid is highly conserved. Functional studies indicated that this variant adversely affects protein function (Guimier et al (2016)). In view of this evidence, we have interpreted this variant as likely to be pathogenic when inherited with another (likely) pathogenic variant. The variant is likely to be benign when carried in isolation.

pathogenic in compound heterozygous individuals.

OMIM
Classification: Pathogenic for SUDDEN CARDIAC FAILURE, INFANTILE. Last evaluated: 2016-11-23. Review status: no assertion criteria provided. Collection method: literature only. Allele origin: germline. Not counted in ClinVar's aggregate classification.

Literature cited by the submitters: PubMed 27523598 (cited by OMIM).

NM_176869.3(PPA2):c.182C>T (p.Ser61Phe)

Gene: PPA2 (inorganic pyrophosphatase 2; minus strand). Cytogenetic location: 4q24.
Variant type: single nucleotide variant.
Coding change: c.182C>T on transcript NM_176869.3 (MANE Select); coding-DNA position 182, C replaced by T.
Protein change: p.Ser61Phe; replaces serine 61 with phenylalanine.
Molecular consequence: missense variant. On other transcripts: intron variant (1).
Genome position (GRCh38, 1-based): chr4:105,456,721, G>A on the plus strand (C>T on the coding strand, the complement: PPA2 is on the minus strand). VCF-style: chr4-105456721-G-A. GRCh37 (hg19) VCF-style: chr4-106377878-G-A.
Other names: c.182C>T, p.Ser61Phe (NM_006903.4, NM_176866.2); c.157+17173C>T (NM_176867.3); short protein forms S61F.
Identifiers: ClinVar variation 372220 (VCV000372220.3), dbSNP rs772083375, ClinGen allele CA3032690.